The following is an entry in ClinVar:

ClinVar aggregate classification (germline): Pathogenic (1 of 4 stars; one submission).

Conditions:
Aniridia 1 (AN1). Identifiers: Orphanet 250923, MedGen C0344542, MONDO:0024507, OMIM 106210.
Irido-corneo-trabecular dysgenesis (ASGD5). Also called: ANTERIOR SEGMENT DYSGENESIS 5. Identifiers: Orphanet 708, MedGen C0344559, MONDO:0011414, OMIM 604229, HP:0000659.

Submission:

Labcorp Genetics (formerly Invitae), Labcorp
Classification: Pathogenic for Aniridia 1; Irido-corneo-trabecular dysgenesis. Last evaluated: 2024-03-04. Review status: criteria provided, single submitter. Criteria: Invitae Variant Classification Sherloc (09022015). Collection method: clinical testing. Allele origin: germline.
Comment: This sequence change creates a premature translational stop signal (p.Tyr61*) in the PAX6 gene. It is expected to result in an absent or disrupted protein product. Loss-of-function variants in PAX6 are known to be pathogenic (PMID: 12634864). This variant is not present in population databases (gnomAD no frequency). This premature translational stop signal has been observed in individual(s) with aniridia (PMID: 9281415, 27463523). This variant is also known as c.225C>A (p.Tyr75*). ClinVar contains an entry for this variant (Variation ID: 1452757). For these reasons, this variant has been classified as Pathogenic.

Literature cited by the submitters: PubMed 12634864; PubMed 9281415; PubMed 27463523.

NM_001368894.2(PAX6):c.225C>A (p.Tyr75Ter)

Gene: PAX6 (paired box 6; minus strand). Cytogenetic location: 11p13.
Variant type: single nucleotide variant.
Coding change: c.225C>A on transcript NM_001368894.2 (MANE Select); coding-DNA position 225, C replaced by A.
Protein change: p.Tyr75Ter; replaces tyrosine 75 with a stop codon.
Molecular consequence: nonsense. On other transcripts: 5 prime UTR variant (14), non-coding transcript variant (2), intron variant (8).
Genome position (GRCh38, 1-based): chr11:31,801,735, G>T on the plus strand (C>A on the coding strand, the complement: PAX6 is on the minus strand). VCF-style: chr11-31801735-G-T. GRCh37 (hg19) VCF-style: chr11-31823283-G-T.
Other names: c.183C>A, p.Tyr61Ter (NM_000280.6, NM_001127612.3, NM_001258464.2 and 10 more transcripts); c.225C>A, p.Tyr75Ter (NM_001258462.3, NM_001258463.2, NM_001310158.2 and 6 more transcripts); c.-557C>A (NM_001310160.2, NM_001368902.2, NM_001368905.2); c.-226C>A (NM_001310161.3, NM_001368899.2, NM_001368900.2 and 8 more transcripts); c.426C>A, p.Tyr142Ter (NM_001368910.2); c.228C>A, p.Tyr76Ter (NM_001368911.2); c.300C>A, p.Tyr100Ter (NM_001368918.2, NM_001368919.2); c.258C>A, p.Tyr86Ter (NM_001368920.2); and 2 more; short protein forms Y100*, Y142*, Y86*, Y61*, Y75*, Y76*.
Identifiers: ClinVar variation 1452757 (VCV001452757.6), dbSNP rs760490431, ClinGen allele CA379959000.